The following is an entry in ClinVar:

ClinVar aggregate classification (germline): Uncertain significance (1 of 4 stars; one submission).

Conditions:
ALMS1-related disorder. Also called: ALMS1-related condition.

Submission:

PreventionGenetics, part of Exact Sciences
Classification: Uncertain significance for ALMS1-related condition. Last evaluated: 2026-08-26. Review status: criteria provided, single submitter. Criteria: ACMG Guidelines, 2015. Collection method: clinical testing. Allele origin: germline.
Comment: The ALMS1 c.2677G>T variant is predicted to result in the amino acid substitution p.Gly893Cys. To our knowledge, this variant has not been reported in the literature. This variant is reported in 0.0018% of alleles in individuals of European (Non-Finnish) descent in gnomAD. At this time, the clinical significance of this variant is uncertain due to the absence of conclusive functional and genetic evidence.

NM_001378454.1(ALMS1):c.2674G>T (p.Gly892Ter)

Gene: ALMS1 (ALMS1 centrosome and basal body associated protein; plus strand). Cytogenetic location: 2p13.1.
Variant type: single nucleotide variant.
Coding change: c.2674G>T on transcript NM_001378454.1 (MANE Select); coding-DNA position 2674, G replaced by T.
Protein change: p.Gly892Ter; replaces glycine 892 with a stop codon.
Molecular consequence: nonsense.
Genome position (GRCh38, 1-based): chr2:73,449,201, G>T. VCF-style: chr2-73449201-G-T. GRCh37 (hg19) VCF-style: chr2-73676328-G-T.
Other names: c.2677G>T, p.Gly893Ter (NM_015120.4); short protein forms G892*, G893*.
Identifiers: ClinVar variation 4990090 (VCV004990090.1).
Genomic context (GRCh38, chr2:73,449,201, plus strand): 5'-CAGCAGACCTTACCCAATAGTCATCTAACTGAAGAGGCTCTGAAAGTATCAATTGTTCCT[G>T]GACCAGGTGATCAGAAGACTGGGATACCCTCAGCACCATCTAGTTTCTACTCACACAGAG-3'